The following is an entry in ClinVar:

ClinVar aggregate classification (germline): Uncertain significance (1 of 4 stars; one submission).

Submission:

Labcorp Genetics (formerly Invitae), Labcorp
Classification: Uncertain significance. Last evaluated: 2024-09-16. Review status: criteria provided, single submitter. Criteria: Invitae Variant Classification Sherloc (09022015). Collection method: clinical testing. Allele origin: germline.
Comment: This sequence change replaces glutamine, which is neutral and polar, with glutamic acid, which is acidic and polar, at codon 527 of the KIF23 protein (p.Gln527Glu). This variant is not present in population databases (gnomAD no frequency). This variant has not been reported in the literature in individuals affected with KIF23-related conditions. Invitae Evidence Modeling of protein sequence and biophysical properties (such as structural, functional, and spatial information, amino acid conservation, physicochemical variation, residue mobility, and thermodynamic stability) indicates that this missense variant is not expected to disrupt KIF23 protein function with a negative predictive value of 80%. In summary, the available evidence is currently insufficient to determine the role of this variant in disease. Therefore, it has been classified as a Variant of Uncertain Significance.

NM_001367805.3(KIF23):c.1621C>G (p.Gln541Glu)

Gene: KIF23 (kinesin family member 23; plus strand). Cytogenetic location: 15q23.
Variant type: single nucleotide variant.
Coding change: c.1621C>G on transcript NM_001367805.3 (MANE Select); coding-DNA position 1621, C replaced by G.
Protein change: p.Gln541Glu; replaces glutamine 541 with glutamic acid.
Molecular consequence: missense variant. On other transcripts: non-coding transcript variant (2).
Genome position (GRCh38, 1-based): chr15:69,438,271, C>G. VCF-style: chr15-69438271-C-G. GRCh37 (hg19) VCF-style: chr15-69730610-C-G.
Other names: c.1249C>G, p.Gln417Glu (NM_001281301.2); c.1579C>G, p.Gln527Glu (NM_001367804.2, NM_004856.7, NM_138555.4); short protein forms Q541E, Q417E, Q527E.
Identifiers: ClinVar variation 3664420 (VCV003664420.2).
Genomic context (GRCh38, chr15:69,438,271, plus strand): 5'-ACTGGTGTAAAACTTGACCTGTATGTTTTTGTTTCAGCTAATGCTTTTAAAGCTTTGTTA[C>G]AAGAATTTGACAATGCTGTTTTAAGTAAAGAAAACCACATGCAAGGGAAACTAAATGAAA-3'
Protein context (NP_001354734.1, residues 531-551): KQSNAFKALL[Gln541Glu]EFDNAVLSKE